The following is an entry in ClinVar:

ClinVar aggregate classification (germline): Likely benign (1 of 4 stars; one submission).

Allele frequency attached by ClinVar (database versions not stated): gnomAD exomes 0.00002; ExAC 0.00017; 1000 Genomes Project 0.00479.

Submission:

CeGaT Center for Human Genetics Tuebingen
Classification: Likely benign. Last evaluated: 2025-07-01. Review status: criteria provided, single submitter. Criteria: CeGaT Center For Human Genetics Tuebingen Variant Classification Criteria Version 2. Collection method: clinical testing. Allele origin: germline. Affected: yes. Observed: 5 variant alleles.
Comment: FLG: BP4, BS2

NM_002016.2(FLG):c.7615T>A (p.Ser2539Thr)

Genes: CCDST (cervical cancer associated DHX9 suppressive transcript; plus strand), FLG (filaggrin; minus strand). Cytogenetic location: 1q21.3.
Variant type: single nucleotide variant.
Coding change: c.7615T>A on transcript NM_002016.2 (MANE Select); coding-DNA position 7615, T replaced by A.
Protein change: p.Ser2539Thr; replaces serine 2539 with threonine.
Molecular consequence: missense variant.
Genome position (GRCh38, 1-based): chr1:152,307,271, A>T on the plus strand (T>A on the coding strand, the complement: FLG is on the minus strand). VCF-style: chr1-152307271-A-T. GRCh37 (hg19) VCF-style: chr1-152279747-A-T.
Other names: short protein forms S2539T.
Identifiers: ClinVar variation 2639265 (VCV002639265.24), dbSNP rs561304617, ClinGen allele CA1104635.